The following is an entry in ClinVar:

NM_000077.5(CDKN2A):c.89C>G (p.Ala30Gly)

Gene: CDKN2A (cyclin dependent kinase inhibitor 2A; minus strand). Cytogenetic location: 9p21.3.
Variant type: single nucleotide variant.
Coding change: c.89C>G on transcript NM_000077.5; coding-DNA position 89, C replaced by G.
Protein change: p.Ala30Gly; replaces alanine 30 with glycine.
Molecular consequence: missense variant (on NM_000077.6). On other transcripts: intron variant (2).
Genome position (GRCh38, 1-based): chr9:21,974,739, G>C on the plus strand (C>G on the coding strand, the complement: CDKN2A is on the minus strand). VCF-style: chr9-21974739-G-C. GRCh37 (hg19) VCF-style: chr9-21974738-G-C.
Other names: c.89C>G, p.Ala30Gly (NM_000077.6, NM_001195132.2, NM_058197.5); c.-3-3531C>G (NM_001363763.2); c.194-3531C>G (NM_058195.4); short protein forms A30G.
Identifiers: ClinVar variation 2775056 (VCV002775056.2), dbSNP rs879254078, ClinGen allele CA373086581.

ClinVar aggregate classification (germline): Uncertain significance (1 of 4 stars; one submission).

Conditions:
Hereditary cancer-predisposing syndrome. Also called: Neoplastic Syndromes, Hereditary; Tumor predisposition; Hereditary neoplastic syndrome; Hereditary Cancer Syndrome. Identifiers: Orphanet 140162, MedGen C0027672, MeSH D009386, MONDO:0015356.

Submission:

Color Diagnostics, LLC DBA Color Health
Classification: Uncertain significance for Hereditary cancer-predisposing syndrome. Last evaluated: 2021-08-30. Review status: criteria provided, single submitter. Criteria: ACMG Guidelines, 2015. Collection method: clinical testing. Allele origin: germline.
Comment: This missense variant replaces alanine with glycine at codon 30 of the CDKN2A (p16INK4A) protein. Computational prediction suggests that this variant may not impact protein structure and function (internally defined REVEL score threshold <= 0.5, PMID: 27666373). To our knowledge, functional studies have not been reported for this variant. This variant has not been reported in individuals affected with hereditary cancer in the literature. This variant has not been identified in the general population by the Genome Aggregation Database (gnomAD). The available evidence is insufficient to determine the role of this variant in disease conclusively. Therefore, this variant is classified as a Variant of Uncertain Significance.